The following is an entry in ClinVar:

NM_152617.4(RNF168):c.543G>A (p.Lys181=)

Gene: RNF168 (ring finger protein 168; minus strand). Cytogenetic location: 3q29.
Variant type: single nucleotide variant.
Coding change: c.543G>A on transcript NM_152617.4 (MANE Select); coding-DNA position 543, G replaced by A.
Protein change: p.Lys181=; no amino-acid change (lysine 181 retained).
Molecular consequence: synonymous variant.
Genome position (GRCh38, 1-based): chr3:196,487,414, C>T on the plus strand (G>A on the coding strand, the complement: RNF168 is on the minus strand). VCF-style: chr3-196487414-C-T. GRCh37 (hg19) VCF-style: chr3-196214285-C-T.
Other names: p.Lys181=.
Identifiers: ClinVar variation 3607430 (VCV003607430.3).

ClinVar aggregate classification (germline): Likely benign. Review status: criteria provided, multiple submitters, no conflicts (2 of 4 stars). 2 submissions from 2 submitters: Likely benign (2). Last evaluated 2025-10-09.

Submissions (2):

Mayo Clinic Laboratories, Mayo Clinic
Classification: Likely benign. Last evaluated: 2025-10-09. Review status: criteria provided, single submitter. Criteria: ACMG Guidelines, 2015. Collection method: clinical testing. Allele origin: germline. Observed: 1 variant allele.
Comment: BP4, BP7, PM2_supporting

Labcorp Genetics (formerly Invitae), Labcorp
Classification: Likely benign. Last evaluated: 2024-05-02. Review status: criteria provided, single submitter. Criteria: Invitae Variant Classification Sherloc (09022015). Collection method: clinical testing. Allele origin: germline.